The following is an entry in ClinVar:

ClinVar aggregate classification (germline): Conflicting classifications of pathogenicity. Review status: criteria provided, conflicting classifications (1 of 4 stars). 4 submissions from 4 submitters: Uncertain significance (2); Likely benign (1). 1 of the submissions does not count toward it. Last evaluated 2026-01-25.

Conditions:
Arrhythmogenic cardiomyopathy with wooly hair and keratoderma. Also called: PALMOPLANTAR KERATODERMA WITH LEFT VENTRICULAR CARDIOMYOPATHY AND WOOLLY HAIR; Dilated cardiomyopathy with woolly hair and keratoderma; Carvajal syndrome; Arrhythmogenic cardiomyopathy with woolly hair and keratoderma. Identifiers: Orphanet 65282, MedGen C1854063, MONDO:0011581, OMIM 605676.
Arrhythmogenic right ventricular dysplasia 8 (ARVD8). Also called: Arrhythmogenic Right Ventricular Dysplasia/Cardiomyopathy 8; ARRHYTHMOGENIC RIGHT VENTRICULAR DYSPLASIA, FAMILIAL, 8; ARRHYTHMOGENIC RIGHT VENTRICULAR CARDIOMYOPATHY 8. Identifiers: MedGen C1843896, MONDO:0011831, OMIM 607450.
Cardiomyopathy (CMYO). Also called: Cardiomyopathies. Identifiers: Orphanet 167848, MedGen C0878544, MONDO:0004994, HP:0001638. Inheritance: Various modes of inheritance.
Wolff-Parkinson-White pattern. Also called: WPW SYNDROME; Auriculoventricular accessory pathway syndrome; False bundle branch block syndrome; Anomalous ventricular excitation syndrome. Identifiers: MedGen C0043202, MONDO:0008685, OMIM 194200, HP:0001716.

Allele frequency attached by ClinVar (database versions not stated): TOPMed below 0.00001; gnomAD exomes 0.00001 and 0.00002.
gnomAD v4.1: 5 of 1,614,162 alleles (0.00031%); highest among the groups gnomAD compares: Admixed American, 0.0083%; no homozygotes.

Submissions (4):

Labcorp Genetics (formerly Invitae), Labcorp
Classification: Likely benign for Arrhythmogenic cardiomyopathy with wooly hair and keratoderma; Arrhythmogenic right ventricular dysplasia 8. Last evaluated: 2026-01-25. Review status: criteria provided, single submitter. Criteria: Invitae Variant Classification Sherloc (09022015). Collection method: clinical testing. Allele origin: germline.

Color Diagnostics, LLC DBA Color Health
Classification: Uncertain significance for Cardiomyopathy. Last evaluated: 2023-10-11. Review status: criteria provided, single submitter. Criteria: ACMG Guidelines, 2015. Collection method: clinical testing. Allele origin: germline.
Comment: This missense variant replaces glutamic acid with lysine at codon 1252 of the DSP protein. Computational prediction is inconclusive regarding the impact of this variant on protein structure and function (internally defined REVEL score threshold 0.5 < inconclusive < 0.7, PMID: 27666373). To our knowledge, functional studies have not been reported for this variant. This variant has been reported in an individual affected with Wolff-Parkinson-White syndrome (PMID: 32233023). This variant has been identified in 5/250606 chromosomes in the general population by the Genome Aggregation Database (gnomAD). The available evidence is insufficient to determine the role of this variant in disease conclusively. Therefore, this variant is classified as a Variant of Uncertain Significance.

GeneDx
Classification: Uncertain significance. Last evaluated: 2019-11-04. Review status: criteria provided, single submitter. Criteria: GeneDx Variant Classification Process June 2021. Collection method: clinical testing. Allele origin: germline. Affected: yes.
Comment: Has not been previously published as pathogenic or benign to our knowledge; In silico analysis, which includes protein predictors and evolutionary conservation, supports that this variant does not alter protein structure/function

Lupski Lab, Baylor-Hopkins CMG, Baylor College of Medicine
Classification: Uncertain significance for Wolff-Parkinson-White pattern. Last evaluated: 2017-07-14. Review status: no assertion criteria provided. Collection method: research. Allele origin: unknown. Affected: yes. Observed: 1 variant allele. Study: Candidate_variants_in_patients_with_ Wolff-Parkinson-White Syndrome. Not counted in ClinVar's aggregate classification.

Literature cited by the submitters: PubMed 32233023 (cited by Color Diagnostics, LLC DBA Color Health).

NM_004415.4(DSP):c.3754G>A (p.Glu1252Lys)

Gene: DSP (desmoplakin; plus strand). Cytogenetic location: 6p24.3.
Variant type: single nucleotide variant.
Coding change: c.3754G>A on transcript NM_004415.4 (MANE Select); coding-DNA position 3754, G replaced by A.
Protein change: p.Glu1252Lys; replaces glutamic acid 1252 with lysine.
Molecular consequence: missense variant. On other transcripts: intron variant (1).
Genome position (GRCh38, 1-based): chr6:7,579,944, G>A. VCF-style: chr6-7579944-G-A. GRCh37 (hg19) VCF-style: chr6-7580177-G-A.
Other names: c.3754G>A, p.Glu1252Lys (NM_001319034.2); c.3582+172G>A (NM_001008844.3); short protein forms E1252K.
Identifiers: ClinVar variation 487613 (VCV000487613.17), dbSNP rs1262533485, ClinGen allele CA362684784.